The following is an entry in ClinVar:

NM_001394372.1(BICRA):c.3377C>A (p.Ser1126Tyr)

Gene: BICRA (BRD4 interacting chromatin remodeling complex associated protein; plus strand). Cytogenetic location: 19q13.33.
Variant type: single nucleotide variant.
Coding change: c.3377C>A on transcript NM_001394372.1 (MANE Select); coding-DNA position 3377, C replaced by A.
Protein change: p.Ser1126Tyr; replaces serine 1126 with tyrosine.
Molecular consequence: missense variant.
Genome position (GRCh38, 1-based): chr19:47,698,762, C>A. VCF-style: chr19-47698762-C-A. GRCh37 (hg19) VCF-style: chr19-48202019-C-A.
Other names: c.3377C>A, p.Ser1126Tyr (NM_015711.3); short protein forms S1126Y.
Identifiers: ClinVar variation 4528013 (VCV004528013.1).

ClinVar aggregate classification (germline): Uncertain significance (1 of 4 stars; one submission).

Submission:

GeneDx
Classification: Uncertain significance. Last evaluated: 2025-05-09. Review status: criteria provided, single submitter. Criteria: GeneDx Variant Classification Process June 2021. Collection method: clinical testing. Allele origin: germline. Affected: yes.
Comment: Not observed at significant frequency in large population cohorts (gnomAD); In silico analysis supports that this missense variant has a deleterious effect on protein structure/function; Has not been previously published as pathogenic or benign to our knowledge